The following is an entry in ClinVar:

ClinVar aggregate classification (germline): Uncertain significance (1 of 4 stars; one submission).

Submission:

GeneDx
Classification: Uncertain significance. Last evaluated: 2025-04-26. Review status: criteria provided, single submitter. Criteria: GeneDx Variant Classification Process June 2021. Collection method: clinical testing. Allele origin: germline. Affected: yes.
Comment: Not observed at significant frequency in large population cohorts (gnomAD); In silico analysis indicates that this missense variant does not alter protein structure/function; Has not been previously published as pathogenic or benign to our knowledge; This variant is associated with the following publications: (PMID: 12668474)

NM_000540.3(RYR1):c.8546A>C (p.Tyr2849Ser)

Genes: RYR1 (ryanodine receptor 1; plus strand), LOC126862902 (BRD4-independent group 4 enhancer GRCh37_chr19:38995830-38997029; plus strand). Cytogenetic location: 19q13.2.
Variant type: single nucleotide variant.
Coding change: c.8546A>C on transcript NM_000540.3 (MANE Select); coding-DNA position 8546, A replaced by C.
Protein change: p.Tyr2849Ser; replaces tyrosine 2849 with serine.
Molecular consequence: missense variant.
Genome position (GRCh38, 1-based): chr19:38,506,307, A>C. VCF-style: chr19-38506307-A-C. GRCh37 (hg19) VCF-style: chr19-38996947-A-C.
Other names: c.8546A>C, p.Tyr2849Ser (NM_001042723.2); short protein forms Y2849S.
Identifiers: ClinVar variation 4527080 (VCV004527080.1).